The following is an entry in ClinVar:

ClinVar aggregate classification (germline): Likely pathogenic (1 of 4 stars; one submission).

Submission:

Labcorp Genetics (formerly Invitae), Labcorp
Classification: Likely pathogenic. Last evaluated: 2022-02-18. Review status: criteria provided, single submitter. Criteria: Invitae Variant Classification Sherloc (09022015). Collection method: clinical testing. Allele origin: germline.
Comment: This sequence change replaces glycine, which is neutral and non-polar, with aspartic acid, which is acidic and polar, at codon 576 of the PDE6B protein (p.Gly576Asp). This variant is not present in population databases (gnomAD no frequency). This missense change has been observed in individual(s) with autosomal recessive retinitis pigmentosa (PMID: 8595886; Invitae). In at least one individual the data is consistent with being in trans (on the opposite chromosome) from a pathogenic variant. It has also been observed to segregate with disease in related individuals. Algorithms developed to predict the effect of missense changes on protein structure and function are either unavailable or do not agree on the potential impact of this missense change (SIFT: "Tolerated"; PolyPhen-2: "Probably Damaging"; Align-GVGD: "Class C0"). This variant disrupts the p.Gly576 amino acid residue in PDE6B. Other variant(s) that disrupt this residue have been observed in individuals with PDE6B-related conditions (PMID: 30998820), which suggests that this may be a clinically significant amino acid residue. In summary, the currently available evidence indicates that the variant is pathogenic, but additional data are needed to prove that conclusively. Therefore, this variant has been classified as Likely Pathogenic.

Literature cited by the submitters: PubMed 8595886; PubMed 30998820.

NM_000283.4(PDE6B):c.1727G>A (p.Gly576Asp)

Gene: PDE6B (phosphodiesterase 6B; plus strand). Cytogenetic location: 4p16.3.
Variant type: single nucleotide variant.
Coding change: c.1727G>A on transcript NM_000283.4 (MANE Select); coding-DNA position 1727, G replaced by A.
Protein change: p.Gly576Asp; replaces glycine 576 with aspartic acid.
Molecular consequence: missense variant.
Genome position (GRCh38, 1-based): chr4:662,513, G>A. VCF-style: chr4-662513-G-A. GRCh37 (hg19) VCF-style: chr4-656302-G-A.
Other names: c.1727G>A, p.Gly576Asp (NM_001145291.2); c.890G>A, p.Gly297Asp (NM_001145292.2, NM_001350154.3, NM_001379246.1 and 1 more transcripts); c.572G>A, p.Gly191Asp (NM_001350155.3); short protein forms G191D, G297D, G576D.
Identifiers: ClinVar variation 2203491 (VCV002203491.4), dbSNP rs2474268882, ClinGen allele CA355917197.
Genomic context (GRCh38, chr4:662,513, plus strand): 5'-CACTCCCCACCCTGCTGGAGCCAGGACCGGTGAGCAAGGTGGCCCTGTCTCTACAGACCG[G>A]CAAACTGAAGAGCTACTACACGGACCTGGAGGCCTTCGCCATGGTGACAGCCGGCCTGTG-3'
Protein context (NP_000274.3, residues 566-586): AQTMFTLLMT[Gly576Asp]KLKSYYTDLE